The following is an entry in ClinVar:

NM_004655.4(AXIN2):c.114A>C (p.Pro38=)

Gene: AXIN2 (axin 2; minus strand). Cytogenetic location: 17q24.1.
Variant type: single nucleotide variant.
Coding change: c.114A>C on transcript NM_004655.4 (MANE Select); coding-DNA position 114, A replaced by C.
Protein change: p.Pro38=; no amino-acid change (proline 38 retained).
Molecular consequence: synonymous variant.
Genome position (GRCh38, 1-based): chr17:65,558,507, T>G on the plus strand (A>C on the coding strand, the complement: AXIN2 is on the minus strand). VCF-style: chr17-65558507-T-G. GRCh37 (hg19) VCF-style: chr17-63554625-T-G.
Other names: c.114A>C, p.Pro38= (NM_001363813.1).
Identifiers: ClinVar variation 1733437 (VCV001733437.3), dbSNP rs2144590869, ClinGen allele CA501691587.

ClinVar aggregate classification (germline): Benign/Likely benign. Review status: criteria provided, multiple submitters, no conflicts (2 of 4 stars). 2 submissions from 2 submitters: Benign (1); Likely benign (1). Last evaluated 2024-06-25.

Conditions:
Hereditary cancer-predisposing syndrome. Also called: Neoplastic Syndromes, Hereditary; Tumor predisposition; Hereditary Cancer Syndrome; Hereditary neoplastic syndrome. Identifiers: Orphanet 140162, MedGen C0027672, MeSH D009386, MONDO:0015356.
Oligodontia-cancer predisposition syndrome. Also called: TOOTH AGENESIS-COLORECTAL CANCER SYNDROME. Identifiers: Orphanet 300576, MedGen C1837750, MONDO:0012075, OMIM 608615. Disease mechanism: loss of function.

Submissions (2):

Myriad Genetics, Inc.
Classification: Benign for Oligodontia-cancer predisposition syndrome. Last evaluated: 2024-06-25. Review status: criteria provided, single submitter. Criteria: Myriad Autosomal Dominant, Autosomal Recessive and X-Linked Classification Criteria (2023). Collection method: clinical testing. Allele origin: unknown.
Comment: This variant is considered benign. This variant is a silent/synonymous amino acid change and it is not expected to impact splicing.

Ambry Genetics
Classification: Likely benign for Hereditary cancer-predisposing syndrome. Last evaluated: 2021-01-10. Review status: criteria provided, single submitter. Criteria: Ambry Variant Classification Scheme 2023. Collection method: clinical testing. Allele origin: germline.